The following is an entry in ClinVar:

NM_002029.4(FPR1):c.646A>G (p.Ile216Val)

Gene: FPR1 (formyl peptide receptor 1; minus strand). Cytogenetic location: 19q13.41.
Variant type: single nucleotide variant.
Coding change: c.646A>G on transcript NM_002029.4 (MANE Select); coding-DNA position 646, A replaced by G.
Protein change: p.Ile216Val; replaces isoleucine 216 with valine.
Molecular consequence: missense variant.
Genome position (GRCh38, 1-based): chr19:51,746,349, T>C on the plus strand (A>G on the coding strand, the complement: FPR1 is on the minus strand). VCF-style: chr19-51746349-T-C. GRCh37 (hg19) VCF-style: chr19-52249602-T-C.
Other names: c.646A>G, p.Ile216Val (NM_001193306.2); short protein forms I216V.
Identifiers: ClinVar variation 2067291 (VCV002067291.5), dbSNP rs372037824, ClinGen allele CA9616409.

ClinVar aggregate classification (germline): Uncertain significance. Review status: criteria provided, multiple submitters, no conflicts (2 of 4 stars). 2 submissions from 2 submitters: Uncertain significance (2). Last evaluated 2024-01-08.

Conditions:
Gingival disorder. Also called: Gingival disease. Identifiers: MedGen C0017563, MONDO:0002021.

Allele frequency attached by ClinVar (database versions not stated): gnomAD exomes 0.00001; gnomAD 0.00005; ESP Exome Variant Server 0.00008; ExAC 0.00006; 1000 Genomes Project 30x 0.00016; 1000 Genomes Project 0.00020; TOPMed 0.00006.
gnomAD v4.1: 24 of 1,614,142 alleles (0.0015%); highest among the groups gnomAD compares: East Asian, 0.036%; no homozygotes.

Submissions (2):

Ambry Genetics
Classification: Uncertain significance. Last evaluated: 2024-01-08. Review status: criteria provided, single submitter. Criteria: Ambry Variant Classification Scheme 2023. Collection method: clinical testing. Allele origin: germline.

Labcorp Genetics (formerly Invitae), Labcorp
Classification: Uncertain significance for Gingival disorder. Last evaluated: 2023-09-24. Review status: criteria provided, single submitter. Criteria: Invitae Variant Classification Sherloc (09022015). Collection method: clinical testing. Allele origin: germline.
Comment: This sequence change replaces isoleucine, which is neutral and non-polar, with valine, which is neutral and non-polar, at codon 216 of the FPR1 protein (p.Ile216Val). This variant is present in population databases (rs372037824, gnomAD 0.08%), and has an allele count higher than expected for a pathogenic variant. This variant has not been reported in the literature in individuals affected with FPR1-related conditions. ClinVar contains an entry for this variant (Variation ID: 2067291). Algorithms developed to predict the effect of missense changes on protein structure and function output the following: SIFT: "Not Available"; PolyPhen-2: "Benign"; Align-GVGD: "Not Available". The valine amino acid residue is found in multiple mammalian species, which suggests that this missense change does not adversely affect protein function. In summary, the available evidence is currently insufficient to determine the role of this variant in disease. Therefore, it has been classified as a Variant of Uncertain Significance.